The following is an entry in ClinVar:

ClinVar aggregate classification (germline): Uncertain significance (1 of 4 stars; one submission).

Submission:

GeneDx
Classification: Uncertain significance. Last evaluated: 2022-01-20. Review status: criteria provided, single submitter. Criteria: GeneDx Variant Classification Process June 2021. Collection method: clinical testing. Allele origin: germline. Affected: yes.
Comment: Not observed at significant frequency in large population cohorts (gnomAD); In silico analysis supports that this missense variant does not alter protein structure/function; Has not been previously published as pathogenic or benign to our knowledge

NM_000489.6(ATRX):c.3592G>C (p.Ala1198Pro)

Gene: ATRX (ATRX chromatin remodeler; minus strand). Cytogenetic location: Xq21.1.
Variant type: single nucleotide variant.
Coding change: c.3592G>C on transcript NM_000489.6 (MANE Select); coding-DNA position 3592, G replaced by C.
Protein change: p.Ala1198Pro; replaces alanine 1198 with proline.
Molecular consequence: missense variant.
Genome position (GRCh38, 1-based): chrX:77,681,664, C>G on the plus strand (G>C on the coding strand, the complement: ATRX is on the minus strand). VCF-style: chrX-77681664-C-G. GRCh37 (hg19) VCF-style: chrX-76937156-C-G.
Other names: c.3478G>C, p.Ala1160Pro (NM_138270.5); short protein forms A1160P, A1198P.
Identifiers: ClinVar variation 1698146 (VCV001698146.2), dbSNP rs2071202324, ClinGen allele CA413706140.